The following is an entry in ClinVar:

ClinVar aggregate classification (germline): Uncertain significance (1 of 4 stars; one submission).

Conditions:
Malignant hyperthermia, susceptibility to, 5 (MHS5). Also called: CACNA1S-Related Malignant Hyperthermia Susceptibility. Identifiers: Orphanet 423, MedGen C1866077, MONDO:0011163, OMIM 601887.
Hypokalemic periodic paralysis, type 1. Also called: HypoPP; Hypokalemic Periodic Paralysis Type 1 (AD). Identifiers: Orphanet 681, MedGen C3714580, MONDO:0042979, OMIM 170400.

Allele frequency attached by ClinVar (database versions not stated): gnomAD exomes below 0.00001.
gnomAD v4.1: 2 of 1,614,060 alleles (0.00012%); highest among the groups gnomAD compares: Admixed American, 0.0033%; no homozygotes.

Submission:

Labcorp Genetics (formerly Invitae), Labcorp
Classification: Uncertain significance for Hypokalemic periodic paralysis, type 1; Malignant hyperthermia, susceptibility to, 5. Last evaluated: 2023-11-10. Review status: criteria provided, single submitter. Criteria: Invitae Variant Classification Sherloc (09022015). Collection method: clinical testing. Allele origin: germline.
Comment: This sequence change falls in intron 12 of the CACNA1S gene. It does not directly change the encoded amino acid sequence of the CACNA1S protein. It affects a nucleotide within the consensus splice site. This variant is present in population databases (no rsID available, gnomAD 0.006%). This variant has not been reported in the literature in individuals affected with CACNA1S-related conditions. Variants that disrupt the consensus splice site are a relatively common cause of aberrant splicing (PMID: 17576681, 9536098). Algorithms developed to predict the effect of sequence changes on RNA splicing suggest that this variant may disrupt the consensus splice site. In summary, the available evidence is currently insufficient to determine the role of this variant in disease. Therefore, it has been classified as a Variant of Uncertain Significance.

Literature cited by the submitters: PubMed 17576681; PubMed 9536098.

NM_000069.3(CACNA1S):c.1828-3C>A

Gene: CACNA1S (calcium voltage-gated channel subunit alpha1 S; minus strand). Cytogenetic location: 1q32.1.
Variant type: single nucleotide variant.
Coding change: c.1828-3C>A on transcript NM_000069.3 (MANE Select); 3 bases into the intron before coding-DNA position 1828, C replaced by A.
Molecular consequence: intron variant.
Genome position (GRCh38, 1-based): chr1:201,075,618, G>T on the plus strand (C>A on the coding strand, the complement: CACNA1S is on the minus strand). VCF-style: chr1-201075618-G-T. GRCh37 (hg19) VCF-style: chr1-201044746-G-T.
Identifiers: ClinVar variation 2935853 (VCV002935853.3), dbSNP rs1445072481, ClinGen allele CA528306094.